The following is an entry in ClinVar:

NM_014249.4(NR2E3):c.840G>A (p.Pro280=)

Gene: NR2E3 (nuclear receptor subfamily 2 group E member 3; plus strand). Cytogenetic location: 15q23.
Variant type: single nucleotide variant.
Coding change: c.840G>A on transcript NM_014249.4 (MANE Select); coding-DNA position 840, G replaced by A.
Protein change: p.Pro280=; no amino-acid change (proline 280 retained).
Molecular consequence: synonymous variant.
Genome position (GRCh38, 1-based): chr15:71,813,481, G>A. VCF-style: chr15-71813481-G-A. GRCh37 (hg19) VCF-style: chr15-72105821-G-A.
Other names: c.840G>A, p.Pro280= (NM_016346.4); c.840G>A (NM_014249.3).
Identifiers: ClinVar variation 1103762 (VCV001103762.10), dbSNP rs1409384602, ClinGen allele CA491104727.
Genomic context (GRCh38, chr15:71,813,481, plus strand): 5'-CTTTCTCCTCGGGGCCATCCAGTGGTCTCTGCCTCTGGACAGCTGTCCTCTGCTGGCACC[G>A]CCCGAGGCCTCTGCTGCCGGTGGTGCCCAGGGCCGGCTCACGCTGGCCAGCATGGAGACG-3'
Protein context (NP_055064.1, residues 270-290): LPLDSCPLLA[Pro280=]PEASAAGGAQ

ClinVar aggregate classification (germline): Likely benign. Review status: criteria provided, multiple submitters, no conflicts (2 of 4 stars). 2 submissions from 2 submitters: Likely benign (2). Last evaluated 2024-12-02.

Conditions:
NR2E3-related disorder. Also called: NR2E3-related condition; NR2E3-related disorders. Identifiers: MedGen CN239387.

Allele frequency attached by ClinVar (database versions not stated): gnomAD exomes below 0.00001; TOPMed below 0.00001; gnomAD 0.00001.
gnomAD v4.1: 10 of 1,610,344 alleles (0.00062%); highest among the groups gnomAD compares: Middle Eastern, 0.033%; no homozygotes.

Submissions (2):

PreventionGenetics, part of Exact Sciences
Classification: Likely benign for NR2E3-related condition. Last evaluated: 2024-12-02. Review status: criteria provided, single submitter. Criteria: ACMG Guidelines, 2015. Collection method: clinical testing. Allele origin: germline.
Comment: This variant is classified as likely benign based on ACMG/AMP sequence variant interpretation guidelines (Richards et al. 2015 PMID: 25741868, with internal and published modifications).

Labcorp Genetics (formerly Invitae), Labcorp
Classification: Likely benign. Last evaluated: 2024-11-05. Review status: criteria provided, single submitter. Criteria: Invitae Variant Classification Sherloc (09022015). Collection method: clinical testing. Allele origin: germline.